The following is an entry in ClinVar:

NM_024665.7(TBL1XR1):c.1126T>C (p.Trp376Arg)

Gene: TBL1XR1 (TBL1X/Y related 1; minus strand). Cytogenetic location: 3q26.32.
Variant type: single nucleotide variant.
Coding change: c.1126T>C on transcript NM_024665.7 (MANE Select); coding-DNA position 1126, T replaced by C.
Protein change: p.Trp376Arg; replaces tryptophan 376 with arginine.
Molecular consequence: missense variant.
Genome position (GRCh38, 1-based): chr3:177,034,322, A>G on the plus strand (T>C on the coding strand, the complement: TBL1XR1 is on the minus strand). VCF-style: chr3-177034322-A-G. GRCh37 (hg19) VCF-style: chr3-176752110-A-G.
Other names: c.1126T>C, p.Trp376Arg (NM_001321193.3, NM_001321194.3, NM_001374327.1 and 2 more transcripts); c.865T>C, p.Trp289Arg (NM_001321195.3, NM_001374330.1); short protein forms W376R, W289R.
Identifiers: ClinVar variation 422143 (VCV000422143.12), dbSNP rs1064795585, ClinGen allele CA16617843.

ClinVar aggregate classification (germline): Conflicting classifications of pathogenicity. Review status: criteria provided, conflicting classifications (1 of 4 stars). 3 submissions from 3 submitters: Pathogenic (1); Likely pathogenic (1); Uncertain significance (1). Last evaluated 2026-10-03.

Conditions:
Pierpont syndrome (PRPTS). Identifiers: Orphanet 487825, MedGen C1865644, MONDO:0011213, OMIM 602342.

Allele frequency attached by ClinVar (database versions not stated): gnomAD exomes below 0.00001.
gnomAD v4.1: 2 of 1,541,194 alleles (0.00013%); no homozygotes.

Submissions (3):

GeneDx
Classification: Pathogenic. Last evaluated: 2026-10-03. Review status: criteria provided, single submitter. Criteria: GeneDx Variant Classification Process June 2021. Collection method: clinical testing. Allele origin: germline.
Comment: Identified in an individual from a large autism cohort study, although no other clinical details were provided (PMID: 35982159); Not observed at significant frequency in large population cohorts (gnomAD); In silico analysis supports that this missense variant has a deleterious effect on protein structure/function; This variant is associated with the following publications: (PMID: 27535533, 38378692, 33057194, 38958063, 35982159)

Labcorp Genetics (formerly Invitae), Labcorp
Classification: Uncertain significance for Pierpont syndrome. Last evaluated: 2023-01-10. Review status: criteria provided, single submitter. Criteria: Invitae Variant Classification Sherloc (09022015). Collection method: clinical testing. Allele origin: germline.
Comment: ClinVar contains an entry for this variant (Variation ID: 422143). This variant is not present in population databases (gnomAD no frequency). This variant has not been reported in the literature in individuals affected with TBL1XR1-related conditions. Advanced modeling of protein sequence and biophysical properties (such as structural, functional, and spatial information, amino acid conservation, physicochemical variation, residue mobility, and thermodynamic stability) performed at Invitae indicates that this missense variant is expected to disrupt TBL1XR1 protein function. In summary, the available evidence is currently insufficient to determine the role of this variant in disease. Therefore, it has been classified as a Variant of Uncertain Significance. This sequence change replaces tryptophan, which is neutral and slightly polar, with arginine, which is basic and polar, at codon 376 of the TBL1XR1 protein (p.Trp376Arg).

University Hospital Basel, Institute of Medical Genetics and Pathology
Classification: Likely pathogenic for Pierpont syndrome. Review status: criteria provided, single submitter. Criteria: ACMG Guidelines, 2015. Collection method: clinical testing. Allele origin: germline. Inheritance: Autosomal dominant inheritance. Affected: yes.

Literature cited by the submitters: PubMed 38378692 (cited by University Hospital Basel, Institute of Medical Genetics and Pathology).